The following is an entry in ClinVar:

ClinVar aggregate classification (germline): Conflicting classifications of pathogenicity. Review status: criteria provided, conflicting classifications (1 of 4 stars). 3 submissions from 3 submitters: Uncertain significance (1); Likely benign (2). Last evaluated 2026-01-20.

Conditions:
Nemaline myopathy 6 (NEM6). Also called: Nemaline myopathy 6, autosomal dominant. Identifiers: Orphanet 171439, MedGen C1836472, MONDO:0012237, OMIM 609273.
Inborn genetic diseases. Identifiers: MedGen C0950123, MeSH D030342.

Allele frequency attached by ClinVar (database versions not stated): gnomAD 0.00001 and 0.00003; TOPMed 0.00003; gnomAD exomes 0.00006 and 0.00012; ExAC 0.00020.
gnomAD v4.1: 94 of 1,606,868 alleles (0.0058%); highest among the groups gnomAD compares: East Asian, 0.069%; no homozygotes.

Submissions (3):

Labcorp Genetics (formerly Invitae), Labcorp
Classification: Likely benign for Nemaline myopathy 6. Last evaluated: 2026-01-20. Review status: criteria provided, single submitter. Criteria: Invitae Variant Classification Sherloc (09022015). Collection method: clinical testing. Allele origin: germline.

Ambry Genetics
Classification: Uncertain significance for Inborn genetic diseases. Last evaluated: 2024-04-06. Review status: criteria provided, single submitter. Criteria: Ambry Variant Classification Scheme 2023. Collection method: clinical testing. Allele origin: germline.

Illumina Laboratory Services, Illumina
Classification: Likely benign for Nemaline myopathy 6. Last evaluated: 2018-01-12. Review status: criteria provided, single submitter. Criteria: ICSL Variant Classification Criteria 13 December 2019. Collection method: clinical testing. Allele origin: germline.
Comment: This variant was observed in the ICSL laboratory as part of a predisposition screen in an ostensibly healthy population. It had not been previously curated by ICSL or reported in the Human Gene Mutation Database (HGMD: prior to June 1st, 2018), and was therefore a candidate for classification through an automated scoring system. Utilizing variant allele frequency, disease prevalence and penetrance estimates, and inheritance mode, an automated score was calculated to assess if this variant is too frequent to cause the disease. Based on the score and internal cut-off values, a variant classified as likely benign is not then subjected to further curation. The score for this variant resulted in a classification of likely benign for this disease.

NM_001101362.3(KBTBD13):c.1010G>A (p.Arg337Gln)

Gene: KBTBD13 (kelch repeat and BTB domain containing 13; plus strand). Cytogenetic location: 15q22.31.
Variant type: single nucleotide variant.
Coding change: c.1010G>A on transcript NM_001101362.3 (MANE Select); coding-DNA position 1010, G replaced by A.
Protein change: p.Arg337Gln; replaces arginine 337 with glutamine.
Molecular consequence: missense variant.
Genome position (GRCh38, 1-based): chr15:65,077,825, G>A. VCF-style: chr15-65077825-G-A. GRCh37 (hg19) VCF-style: chr15-65370163-G-A.
Other names: short protein forms R337Q.
Identifiers: ClinVar variation 533007 (VCV000533007.13), dbSNP rs771413223, ClinGen allele CA7614041.